The following is an entry in ClinVar:

ClinVar aggregate classification (germline): Pathogenic/Likely pathogenic. Review status: criteria provided, multiple submitters, no conflicts (2 of 4 stars). 19 submissions from 19 submitters: Pathogenic (14); Likely pathogenic (2). 3 of the submissions do not count toward it. Last evaluated 2026-06-24.

Conditions:
Isolated focal cortical dysplasia type II (FCORD2). Also called: Focal cortical dysplasia type II; CORTICAL DYSPLASIA OF TAYLOR. Identifiers: Orphanet 268994, MedGen C1846385, MONDO:0011818, OMIM 607341, HP:0032051.
Tuberous sclerosis 2 (TSC2). Identifiers: Orphanet 805, MedGen C1860707, MONDO:0013199, OMIM 613254.
Lymphangiomyomatosis (LAM). Also called: Lymphangioleiomyomatosis; Lymphangioleiomyomatosis, somatic. Identifiers: Orphanet 538, MedGen C0751674, MONDO:0011705, OMIM 606690.
TSC2-related disorder. Also called: TSC2-related condition; TSC2-Related Disorders.
Hereditary cancer-predisposing syndrome. Also called: Neoplastic Syndromes, Hereditary; Tumor predisposition; Hereditary Cancer Syndrome; Hereditary neoplastic syndrome. Identifiers: Orphanet 140162, MedGen C0027672, MeSH D009386, MONDO:0015356.
Tuberous sclerosis syndrome (TSC). Also called: Tuberous Sclerosis Complex; Tuberous sclerosis. Identifiers: Orphanet 805, MedGen C0041341, MONDO:0001734.

Submissions 1 to 8 of 19:

PreventionGenetics, part of Exact Sciences
Classification: Pathogenic for TSC2-related condition. Last evaluated: 2026-06-24. Review status: criteria provided, single submitter. Criteria: ACMG Guidelines, 2015. Collection method: clinical testing. Allele origin: germline.
Comment: The TSC2 c.2714G>A variant is predicted to result in the amino acid substitution p.Arg905Gln. This variant has been reported in multiple unrelated patients with tuberous sclerosis complex (TSC) (Beauchamp et al. 1998. PubMed ID: 9829910; Niida et al. 1999. PubMed ID: 10533067; Jansen et al. 2006. PubMed ID: 17120248; van Eeghen et al. 2013. PubMed ID: 22867869). It has been suggested that this variant is associated with a milder phenotype than is typically seen in patients with TSC (Jansen et al. 2006. PubMed ID: 17120248; van Eeghen et al. 2013. PubMed ID: 22867869). This variant has not been reported in a large population database, indicating this variant is rare. This variant has been interpreted as pathogenic/likely pathogenic by multiple independent submitters in ClinVar (Variation ID: 12403). This variant is interpreted as pathogenic.

CeGaT Center for Human Genetics Tuebingen
Classification: Pathogenic. Last evaluated: 2026-03-01. Review status: criteria provided, single submitter. Criteria: CeGaT Center For Human Genetics Tuebingen Variant Classification Criteria Version 2. Collection method: clinical testing. Allele origin: germline. Affected: yes. Observed: 3 variant alleles.
Comment: TSC2: PP1:Strong, PM2, PM5, PS4:Moderate, PM1:Supporting, PP3, PS3:Supporting

Labcorp Genetics (formerly Invitae), Labcorp
Classification: Pathogenic for Tuberous sclerosis 2. Last evaluated: 2025-12-08. Review status: criteria provided, single submitter. Criteria: Invitae Variant Classification Sherloc (09022015). Collection method: clinical testing. Allele origin: germline.
Comment: This sequence change replaces arginine, which is basic and polar, with glutamine, which is neutral and polar, at codon 905 of the TSC2 protein (p.Arg905Gln). This variant is not present in population databases (gnomAD no frequency). This missense change has been observed in individual(s) with tuberous sclerosis complex (PMID: 9829910, 17120248, 22867869, 25432535). It has also been observed to segregate with disease in related individuals. Invitae Evidence Modeling of clinical and family history, age, sex, and reported ancestry of multiple individuals with this TSC2 variant has been performed. This variant is expected to be pathogenic with a positive predictive value of at least 99%. This is a validated machine learning model that incorporates the clinical features of 1,224,362 individuals referred to our laboratory for TSC2 testing. ClinVar contains an entry for this variant (Variation ID: 12403). Invitae Evidence Modeling of protein sequence and biophysical properties (such as structural, functional, and spatial information, amino acid conservation, physicochemical variation, residue mobility, and thermodynamic stability) has been performed for this missense variant. However, the output from this modeling did not meet the statistical confidence thresholds required to predict the impact of this variant on TSC2 protein function. Experimental studies have shown that this missense change affects TSC2 function (PMID: 16464865, 21309039). RNA analysis performed to evaluate the impact of this missense change on mRNA splicing indicates it does not significantly alter splicing (internal data). This variant disrupts the p.Arg905 amino acid residue in TSC2. Other variant(s) that disrupt this residue have been determined to be pathogenic (PMID: 17120248). This suggests that this residue is clinically significant, and that variants that disrupt this residue are likely to be disease-causing. For these reasons, this variant has been classified as Pathogenic.

Institute of Human Genetics, University of Leipzig Medical Center
Classification: Pathogenic for Tuberous sclerosis 2. Last evaluated: 2025-04-07. Review status: criteria provided, single submitter. Criteria: ACMG Guidelines, 2015. Collection method: clinical testing. Allele origin: unknown. Inheritance: Autosomal dominant inheritance. Affected: yes.
Comment: Criteria applied: PS3,PM5_STR,PP1_STR,PM2,PP3,PS4

Blueprint Genetics
Classification: Pathogenic for TSC2-related disorders. Last evaluated: 2024-09-02. Review status: criteria provided, single submitter. Criteria: ACMG Guidelines, 2015. Collection method: clinical testing. Allele origin: de novo. Affected: yes. Observed: 2 variant alleles.

All of Us Research Program, National Institutes of Health
Classification: Pathogenic for Tuberous sclerosis syndrome. Last evaluated: 2024-02-07. Review status: criteria provided, single submitter. Criteria: ACMG Guidelines, 2015. Collection method: clinical testing. Allele origin: germline. Inheritance: Autosomal dominant inheritance. Observed: 2 variant alleles, 2 heterozygotes.
Comment: This missense variant replaces arginine with glutamine at codon 905 of the TSC2 protein. Computational prediction suggests that this variant may have deleterious impact on protein structure and function (internally defined REVEL score threshold >= 0.7, PMID: 27666373). Functional studies have shown that this variant is partially defective for inhibition of pS6K (T389), inhibition of pS6, and RHEB GAP activity when compared to wild-type TSC2 (PMID: 15483652, 16464865, 17120248, 21309039, 21332470). This variant has been reported in numerous individuals affected with tuberous sclerosis complex (PMID: 17120248, 9829910, 11112665, 17120248, 22867869). It has also been shown that this variant segregates with disease in multiple families. (PMID: 17120248). The variant has also been associated with milder disease phenotypes (PMID: 17120248, 21332470, 20301399). This variant has not been identified in the general population by the Genome Aggregation Database (gnomAD). Based on the available evidence, this variant is classified as Pathogenic. This variant may be hypomorphic and may display reduced penetrance relative to typical pathogenic TSC2 variants.

This study involves interpretation of variants in research participants for the purpose of population health screening. Participant phenotype was not available at the time of variant classification. Additional details can be found in publication PMID: 35346344, PMCID: PMC8962531

Human Genome Lab, NIMHANS, National Institute of Mental Health and Neuro Sciences
Classification: Likely pathogenic for Isolated focal cortical dysplasia type II. Last evaluated: 2024-01-10. Review status: criteria provided, single submitter. Criteria: ACMG Guidelines, 2015. Collection method: clinical testing. Allele origin: germline. Affected: yes. Observed: 1 variant allele.
Comment: The missense variant NM_000548.5(TSC2):c.2714G>A (p.Arg905Gln) causes the same amino acid change as a previously established pathogenic variant. The p.Arg905Gln variant is novel (not in any individuals) in 1kG All. The p.Arg905Gln variant is novel (not in any individuals) in gnomAD. There is a small physicochemical difference between arginine and glutamine, which is not likely to impact secondary protein structure as these residues share similar properties. The p.Arg905Gln missense variant is predicted to be damaging by both SIFT and PolyPhen2. The arginine residue at codon 905 of TSC2 is conserved in all mammalian species. The nucleotide c.2714 in TSC2 is predicted conserved by GERP++ and PhyloP across 100 vertebrates. (ACMG Criteria: PM2,PP3,PS1,PM5)

Human Genome Sequencing Center Clinical Lab, Baylor College of Medicine
Classification: Pathogenic for tuberous sclerosis complex. Last evaluated: 2023-10-23. Review status: criteria provided, single submitter. Criteria: ACMG Guidelines, 2015. Collection method: clinical testing. Allele origin: unknown.
Comment: The c.2714G>A (p.Arg905Gln) variant in the TSC2 gene is located in exon 24 and replaces arginine at codon 905 with glutamine. This variant has been observed in individuals with tuberous sclerosis complex (PMID: 9829910, 17120248, 21332470, 22867869, 25432535). This variant has also been reported to be associated with milder disease spectrum (PMID: 17120248, 21332470, 22867869). Functional studies have shown that this variant has a damaging effect on TSC2 function (PMID: 16464865, 17120248, 21309039, 21332470). This variant has been reported as pathogenic in ClinVar by multiple submitters (ID: 12403). Another variant affecting the same amino acid residue, c.2713C>T (p.Arg905Trp) has also been reported as pathogenic in ClinVar (ID: 12404). Computational evidence supports a deleterious effect on the gene or gene product (REVEL score: 0.959). This variant is rare (0/250752 chromosomes) in the general population database (gnomAD). Therefore, the c.2714G>A (p.Arg905Gln) variant in the TSC2 gene is classified as pathogenic.

NM_000548.5(TSC2):c.2714G>A (p.Arg905Gln)

Gene: TSC2 (TSC complex subunit 2; plus strand). Cytogenetic location: 16p13.3.
Variant type: single nucleotide variant.
Coding change: c.2714G>A on transcript NM_000548.5 (MANE Select); coding-DNA position 2714, G replaced by A.
Protein change: p.Arg905Gln; replaces arginine 905 with glutamine.
Molecular consequence: missense variant.
Genome position (GRCh38, 1-based): chr16:2,076,142, G>A. VCF-style: chr16-2076142-G-A. GRCh37 (hg19) VCF-style: chr16-2126143-G-A.
Other names: c.2714G>A, p.Arg905Gln (NM_001077183.3, NM_001114382.3, NM_001363528.2 and 3 more transcripts); c.2603G>A, p.Arg868Gln (NM_001318827.2); c.2567G>A, p.Arg856Gln (NM_001318829.2); c.2114G>A, p.Arg705Gln (NM_001318831.2); c.2747G>A, p.Arg916Gln (NM_001318832.2); c.2714G>A (NM_000548.4); short protein forms R905Q, R705Q, R868Q, R856Q, R916Q.
Identifiers: ClinVar variation 12403 (VCV000012403.72), dbSNP rs45517259, ClinGen allele CA017951.
Genomic context (GRCh38, chr16:2,076,142, plus strand): 5'-TCGTGTGTCTGGCCCATCACGTCATAGCCATGTGGTTCATCAGGTGCCGCCTGCCCTTCC[G>A]GAAGGATTTTGTCCCTTTCATCACTAAGGTGGGCTCAGGGCCGGTGAAGGCTGTGTCTCT-3'
Protein context (NP_000539.2, residues 895-915): MWFIRCRLPF[Arg905Gln]KDFVPFITKG